The following is an entry in ClinVar:

NM_003632.3(CNTNAP1):c.992G>A (p.Arg331His)

Gene: CNTNAP1 (contactin associated protein 1; plus strand). Cytogenetic location: 17q21.2.
Variant type: single nucleotide variant.
Coding change: c.992G>A on transcript NM_003632.3 (MANE Select); coding-DNA position 992, G replaced by A.
Protein change: p.Arg331His; replaces arginine 331 with histidine.
Molecular consequence: missense variant.
Genome position (GRCh38, 1-based): chr17:42,686,994, G>A. VCF-style: chr17-42686994-G-A. GRCh37 (hg19) VCF-style: chr17-40839012-G-A.
Other names: short protein forms R331H.
Identifiers: ClinVar variation 5009624 (VCV005009624.2).

ClinVar aggregate classification (germline): Uncertain significance (1 of 4 stars; one submission).

gnomAD v4.1: 3 of 1,614,010 alleles (0.00019%); highest among the groups gnomAD compares: African/African-American, 0.0013%; no homozygotes.

Submission:

GeneDx
Classification: Uncertain significance. Last evaluated: 2026-09-30. Review status: criteria provided, single submitter. Criteria: GeneDx Variant Classification Process June 2021. Collection method: clinical testing. Allele origin: germline.
Comment: Not observed at significant frequency in large population cohorts (gnomAD); In silico analysis suggests that this missense variant does not alter protein structure/function; Has not been previously published as pathogenic or benign to our knowledge